The following is an entry in ClinVar:

ClinVar aggregate classification (germline): Pathogenic (1 of 4 stars; one submission).

Conditions:
Marfan syndrome (MFS). Also called: MARFAN SYNDROME, TYPE I; Marfan syndrome type 1; Marfan's syndrome; Marfan syndrome, classic; FBN1-Related Marfan Syndrome. Identifiers: Orphanet 284963, Orphanet 558, MedGen C0024796, MONDO:0007947, OMIM 154700.
Familial thoracic aortic aneurysm and aortic dissection (TAAD). Also called: Thoracic aortic aneurysms and dissections. Identifiers: Orphanet 91387, MedGen C4707243, MONDO:0019625.

Submission:

Labcorp Genetics (formerly Invitae), Labcorp
Classification: Pathogenic for Marfan syndrome; Familial thoracic aortic aneurysm and aortic dissection. Last evaluated: 2024-06-19. Review status: criteria provided, single submitter. Criteria: Invitae Variant Classification Sherloc (09022015). Collection method: clinical testing. Allele origin: germline.
Comment: This sequence change replaces cysteine, which is neutral and slightly polar, with serine, which is neutral and polar, at codon 1444 of the FBN1 protein (p.Cys1444Ser). This variant is not present in population databases (gnomAD no frequency). This missense change has been observed in individual(s) with clinical features of FBN1-related conditions (Invitae). ClinVar contains an entry for this variant (Variation ID: 1453863). Advanced modeling of protein sequence and biophysical properties (such as structural, functional, and spatial information, amino acid conservation, physicochemical variation, residue mobility, and thermodynamic stability) performed at Invitae indicates that this missense variant is expected to disrupt FBN1 protein function with a positive predictive value of 95%. This variant affects a cysteine residue in the EGF-like, TGFBP or hybrid motif domains of FBN1. Cysteine residues are believed to be involved in intramolecular disulfide bridges and have been shown to be important for FBN1 protein structure (PMID: 16905551, 19349279). In addition, missense substitutions affecting cysteine residues within these domains are significantly overrepresented among patients with Marfan syndrome (PMID: 16571647, 17701892). This variant disrupts the p.Cys1444 amino acid residue in FBN1. Other variant(s) that disrupt this residue have been observed in individuals with FBN1-related conditions (PMID: 31098894; Invitae), which suggests that this may be a clinically significant amino acid residue. For these reasons, this variant has been classified as Pathogenic.

Literature cited by the submitters: PubMed 16905551; PubMed 19349279; PubMed 16571647; PubMed 17701892; PubMed 31098894.

NM_000138.5(FBN1):c.4331G>C (p.Cys1444Ser)

Genes: FBN1 (fibrillin 1; minus strand), LOC126862124 (CDK7 strongly-dependent group 2 enhancer GRCh37_chr15:48764566-48765765; plus strand). Cytogenetic location: 15q21.1.
Variant type: single nucleotide variant.
Coding change: c.4331G>C on transcript NM_000138.5 (MANE Select); coding-DNA position 4331, G replaced by C.
Protein change: p.Cys1444Ser; replaces cysteine 1444 with serine.
Molecular consequence: missense variant.
Genome position (GRCh38, 1-based): chr15:48,472,556, C>G on the plus strand (G>C on the coding strand, the complement: FBN1 is on the minus strand). VCF-style: chr15-48472556-C-G. GRCh37 (hg19) VCF-style: chr15-48764753-C-G.
Other names: short protein forms C1444S.
Identifiers: ClinVar variation 1453863 (VCV001453863.6), dbSNP rs886038940, ClinGen allele CA392317541.